The following is an entry in ClinVar:

ClinVar aggregate classification (germline): Benign. Review status: criteria provided, multiple submitters, no conflicts (2 of 4 stars). 3 submissions from 3 submitters: Benign (2). 1 of the submissions does not count toward it. Last evaluated 2026-02-02.

Conditions:
Hypotension. Also called: Hypotensive disorder; low blood pressure. Identifiers: MedGen C0020649, MONDO:0005468, HP:0002615, MeSH D007022.

Allele frequency attached by ClinVar (database versions not stated): 1000 Genomes Project 30x 0.02014; ESP Exome Variant Server 0.04636; TOPMed 0.04049; gnomAD exomes 0.04253 and 0.05584; gnomAD 0.04304 and 0.04169; 1000 Genomes Project 0.01977.
gnomAD v4.1: 87,732 of 1,613,996 alleles (5.4%); highest among the groups gnomAD compares: Non-Finnish European, 6.3%; 2,754 homozygotes.

Submissions (3):

Labcorp Genetics (formerly Invitae), Labcorp
Classification: Benign. Last evaluated: 2026-02-02. Review status: criteria provided, single submitter. Criteria: Invitae Variant Classification Sherloc (09022015). Collection method: clinical testing. Allele origin: germline.

Breakthrough Genomics
Classification: Benign. Review status: criteria provided, single submitter. Criteria: ACMG Guidelines, 2015. Collection method: not provided. Allele origin: germline. Inheritance: Autosomal dominant inheritance. Affected: yes.

Centre for molecular medicine, Karolinska Institutet
No classification provided. Condition: Hypotension. Review status: no classification provided. Collection method: not provided. Allele origin: not provided. Not counted in ClinVar's aggregate classification.
Comment: hold until published

NM_017637.6(BNC2):c.1545A>G (p.Ser515=)

Gene: BNC2 (basonuclin zinc finger protein 2; minus strand). Cytogenetic location: 9p22.3.
Variant type: single nucleotide variant.
Coding change: c.1545A>G on transcript NM_017637.6 (MANE Select); coding-DNA position 1545, A replaced by G.
Protein change: p.Ser515=; no amino-acid change (serine 515 retained).
Molecular consequence: synonymous variant.
Genome position (GRCh38, 1-based): chr9:16,436,649, T>C on the plus strand (A>G on the coding strand, the complement: BNC2 is on the minus strand). VCF-style: chr9-16436649-T-C. GRCh37 (hg19) VCF-style: chr9-16436647-T-C.
Other names: c.1419A>G, p.Ser473= (NM_001317939.2); c.1260A>G, p.Ser420= (NM_001317940.2).
Identifiers: ClinVar variation 120229 (VCV000120229.10), dbSNP rs117470554, ClinGen allele CA204316.